The following is an entry in ClinVar:

ClinVar aggregate classification (germline): Conflicting classifications of pathogenicity. Review status: criteria provided, conflicting classifications (1 of 4 stars). 5 submissions from 4 submitters: Uncertain significance (1); Likely benign (2). 2 of the submissions do not count toward it. Last evaluated 2023-12-08.

Conditions:
Inborn genetic diseases. Identifiers: MedGen C0950123, MeSH D030342.
Transitory neonatal diabetes mellitus. Also called: Transient neonatal diabetes mellitus. Identifiers: MedGen C0342273, MONDO:0020525, HP:0008255.
Hereditary hyperinsulinism.
Maturity-onset diabetes of the young (MODY). Also called: Maturity onset diabetes mellitus in young. Identifiers: Orphanet 552, MedGen C0342276, MONDO:0018911, HP:0004904.

Submissions (5):

Ambry Genetics
Classification: Likely benign for Inborn genetic diseases. Last evaluated: 2023-12-08. Review status: criteria provided, single submitter. Criteria: Ambry Variant Classification Scheme 2023. Collection method: clinical testing. Allele origin: germline.

Labcorp Genetics (formerly Invitae), Labcorp
Classification: Likely benign. Last evaluated: 2023-08-07. Review status: criteria provided, single submitter. Criteria: Invitae Variant Classification Sherloc (09022015). Collection method: clinical testing. Allele origin: germline.

Clinical Genomics, Uppaluri K&H Personalized Medicine Clinic
Classification: Uncertain significance for Maturity-onset diabetes of the young. Review status: criteria provided, single submitter. Criteria: K & H Uppaluri Personalized Medicine Clinic Variant Classification & Assertion Criteria_Updated V.1. Collection method: research. Allele origin: somatic. Inheritance: Somatic mutation.
Comment: Mutations in ABCC8 gene are associated with both neonatal diabetes mellitus as well as MODY. Patients with this mutation may have a better response to sulfonylureas. However, no sufficient evidence is found to ascertain the role of this particular variant (rs574684578) in MODY yet.

Natera, Inc.
Classification: Likely benign for Hereditary hyperinsulinism. Last evaluated: 2020-09-16. Review status: no assertion criteria provided. Collection method: clinical testing. Allele origin: germline. Not counted in ClinVar's aggregate classification.

Clinical Genomics, Uppaluri K&H Personalized Medicine Clinic
Classification: Uncertain significance for Transitory neonatal diabetes mellitus. Review status: no assertion criteria provided. Collection method: research. Allele origin: somatic. Inheritance: Somatic mutation. Not counted in ClinVar's aggregate classification.
Comment: Mutations in ABCC8 gene are associated with both neonatal diabetes mellitus as well as MODY. Patients with this mutation may have a better response to sulfonylureas. However, no sufficient evidence is found to ascertain the role of this particular variant (rs574684578 ) in neonatal diabetes yet.

Literature cited by the submitters: PubMed 16885549 (cited by Clinical Genomics, Uppaluri K&H Personalized Medicine Clinic); PubMed 21989597 (cited by Clinical Genomics, Uppaluri K&H Personalized Medicine Clinic); PubMed 27538677 (cited by Clinical Genomics, Uppaluri K&H Personalized Medicine Clinic); PubMed 18981553 (cited by Clinical Genomics, Uppaluri K&H Personalized Medicine Clinic); PubMed 32027066 (cited by Clinical Genomics, Uppaluri K&H Personalized Medicine Clinic); PubMed 16613899 (cited by Clinical Genomics, Uppaluri K&H Personalized Medicine Clinic); PubMed 18025408 (cited by Clinical Genomics, Uppaluri K&H Personalized Medicine Clinic); PubMed 32792356 (cited by Clinical Genomics, Uppaluri K&H Personalized Medicine Clinic).

NM_000352.6(ABCC8):c.4140C>T (p.Thr1380=)

Gene: ABCC8 (ATP binding cassette subfamily C member 8; minus strand). Cytogenetic location: 11p15.1.
Variant type: single nucleotide variant.
Coding change: c.4140C>T on transcript NM_000352.6 (MANE Select); coding-DNA position 4140, C replaced by T.
Protein change: p.Thr1380=; no amino-acid change (threonine 1380 retained).
Molecular consequence: synonymous variant. On other transcripts: non-coding transcript variant (1).
Genome position (GRCh38, 1-based): chr11:17,395,910, G>A on the plus strand (C>T on the coding strand, the complement: ABCC8 is on the minus strand). VCF-style: chr11-17395910-G-A. GRCh37 (hg19) VCF-style: chr11-17417457-G-A.
Other names: c.4143C>T, p.Thr1381= (NM_001287174.3); c.4206C>T, p.Thr1402= (NM_001351295.2); c.4140C>T, p.Thr1380= (NM_001351296.2); c.4137C>T, p.Thr1379= (NM_001351297.2); c.4140C>T (NM_000352.3).
Identifiers: ClinVar variation 755421 (VCV000755421.11), dbSNP rs574684578, ClinGen allele CA5902552.